The following is an entry in ClinVar:

ClinVar aggregate classification (germline): Likely benign (1 of 4 stars; one submission).

Allele frequency attached by ClinVar (database versions not stated): TOPMed 0.02609; gnomAD 0.02643 and 0.02841; 1000 Genomes Project 0.03994.
gnomAD v4.1: 4,302 of 152,286 alleles (2.8%); highest among the groups gnomAD compares: South Asian, 8.1%; 95 homozygotes.

Submission:

GeneDx
Classification: Likely benign. Last evaluated: 2018-06-16. Review status: criteria provided, single submitter. Criteria: GeneDx Variant Classification (06012015). Collection method: clinical testing. Allele origin: germline. Affected: yes.
Comment: This variant is considered likely benign or benign based on one or more of the following criteria: it is a conservative change, it occurs at a poorly conserved position in the protein, it is predicted to be benign by multiple in silico algorithms, and/or has population frequency not consistent with disease.

NM_003850.3(SUCLA2):c.1108-258G>A

Gene: SUCLA2 (succinate-CoA ligase ADP-forming subunit beta; minus strand). Cytogenetic location: 13q14.2.
Variant type: single nucleotide variant.
Coding change: c.1108-258G>A on transcript NM_003850.3 (MANE Select); 258 bases into the intron before coding-DNA position 1108, G replaced by A.
Molecular consequence: intron variant.
Genome position (GRCh38, 1-based): chr13:47,949,861, C>T on the plus strand (G>A on the coding strand, the complement: SUCLA2 is on the minus strand). VCF-style: chr13-47949861-C-T. GRCh37 (hg19) VCF-style: chr13-48523996-C-T.
Identifiers: ClinVar variation 671628 (VCV000671628.1), dbSNP rs114659630, ClinGen allele CA249817900.
Genomic context (GRCh38, chr13:47,949,861, plus strand): 5'-TTGGGTAATTTCAACACCTAGTTCACATTTCCTTCTCTACTATATCCCATATGAACAAGA[C>T]CATCTAATTCCATTTACTTTCTCTTGTTAAATTTGGCCATTCACCAACGTGACTACCCCC-3'